The following is an entry in ClinVar:

ClinVar aggregate classification (germline): Conflicting classifications of pathogenicity. Review status: criteria provided, conflicting classifications (1 of 4 stars). 5 submissions from 5 submitters: Uncertain significance (1); Benign (1); Likely benign (1). 2 of the submissions do not count toward it. Last evaluated 2024-09-23.

Conditions:
Cerebral arteriopathy with subcortical infarcts and leukoencephalopathy. Also called: Cerebral autosomal dominant arteriopathy with subcortical infarcts and leukoencephalopathy. Identifiers: MedGen C0751587, MONDO:0007432.
Cerebral arteriopathy, autosomal dominant, with subcortical infarcts and leukoencephalopathy, type 1 (CADASIL1). Also called: CASIL; DEMENTIA, HEREDITARY MULTIINFARCT TYPE; Cerebral arteriopathy with subcortical infarcts and leukoencephalopathy 1; CADASIL 1. Identifiers: Orphanet 136, MedGen C4551768, MONDO:0000914, OMIM 125310.
Lateral meningocele syndrome (LMNS). Also called: NOTCH3-Related Lateral Meningocele Syndrome. Identifiers: Orphanet 2789, MedGen C1851710, MONDO:0007537, OMIM 130720.
Myofibromatosis, infantile, 2. Identifiers: Orphanet 2591, MedGen C3809084, MONDO:0014122, OMIM 615293.
NOTCH3-related disorder. Also called: NOTCH3-related disorders; NOTCH3-related condition.

Allele frequency attached by ClinVar (database versions not stated): gnomAD 0.00010; TOPMed 0.00014; ESP Exome Variant Server 0.00015; 1000 Genomes Project 30x 0.00016; ExAC 0.00046.
gnomAD v4.1: 137 of 1,600,174 alleles (0.0086%); highest among the groups gnomAD compares: East Asian, 0.12%; no homozygotes.

Submissions (5):

Blueprint Genetics
Classification: Benign. Last evaluated: 2024-09-23. Review status: criteria provided, single submitter. Criteria: ACMG Guidelines, 2015. Collection method: clinical testing. Allele origin: germline.

Fulgent Genetics
Classification: Uncertain significance for Cerebral arteriopathy, autosomal dominant, with subcortical infarcts and leukoencephalopathy, type 1; Lateral meningocele syndrome; Myofibromatosis, infantile, 2. Last evaluated: 2024-03-20. Review status: criteria provided, single submitter. Criteria: ACMG Guidelines, 2015. Collection method: clinical testing. Allele origin: germline.

Labcorp Genetics (formerly Invitae), Labcorp
Classification: Likely benign. Last evaluated: 2023-11-27. Review status: criteria provided, single submitter. Criteria: Invitae Variant Classification Sherloc (09022015). Collection method: clinical testing. Allele origin: germline.

PreventionGenetics, part of Exact Sciences
Classification: Likely benign for NOTCH3-related condition. Last evaluated: 2024-03-22. Review status: no assertion criteria provided. Collection method: clinical testing. Allele origin: germline. Not counted in ClinVar's aggregate classification.
Comment: This variant is classified as likely benign based on ACMG/AMP sequence variant interpretation guidelines (Richards et al. 2015 PMID: 25741868, with internal and published modifications).

Molecular Genetics Laboratory, BC Children's and BC Women's Hospitals
Classification: Uncertain significance for CADASIL. Last evaluated: 2020-06-04. Review status: no assertion criteria provided. Criteria: ACMG Guidelines, 2015. Collection method: clinical testing. Allele origin: germline. Affected: yes. Not counted in ClinVar's aggregate classification.

NM_000435.3(NOTCH3):c.224G>A (p.Arg75Gln)

Gene: NOTCH3 (notch receptor 3; minus strand). Cytogenetic location: 19p13.12.
Variant type: single nucleotide variant.
Coding change: c.224G>A on transcript NM_000435.3 (MANE Select); coding-DNA position 224, G replaced by A.
Protein change: p.Arg75Gln; replaces arginine 75 with glutamine.
Molecular consequence: missense variant.
Genome position (GRCh38, 1-based): chr19:15,192,493, C>T on the plus strand (G>A on the coding strand, the complement: NOTCH3 is on the minus strand). VCF-style: chr19-15192493-C-T. GRCh37 (hg19) VCF-style: chr19-15303304-C-T.
Other names: short protein forms R75Q.
Identifiers: ClinVar variation 766794 (VCV000766794.13), dbSNP rs145069047, ClinGen allele CA9263949.